The following is an entry in ClinVar:

NM_015922.3(NSDHL):c.790-3C>G

Gene: NSDHL (NAD(P) dependent steroid dehydrogenase-like; plus strand). Cytogenetic location: Xq28.
Variant type: single nucleotide variant.
Coding change: c.790-3C>G on transcript NM_015922.3 (MANE Select); 3 bases into the intron before coding-DNA position 790, C replaced by G.
Molecular consequence: intron variant.
Genome position (GRCh38, 1-based): chrX:152,868,781, C>G. VCF-style: chrX-152868781-C-G. GRCh37 (hg19) VCF-style: chrX-152037325-C-G.
Other names: c.790-3C>G (NM_001129765.2).
Identifiers: ClinVar variation 1310123 (VCV001310123.2), dbSNP rs2125017342, ClinGen allele CA2573055133.
Genomic context (GRCh38, chrX:152,868,781, plus strand): 5'-ATGCTTCAACTTTGGGCAGGTGGGGGTGGTGTTTCTAACTTCTTGTTCTTGTTCTCCCGC[C>G]AGGCATTTCACATCACCAATGATGAGCCCATCCCTTTCTGGACATTCCTGTCTCGCATCC-3'

ClinVar aggregate classification (germline): Uncertain significance (1 of 4 stars; one submission).

gnomAD v4.1: 1 of 1,206,621 alleles (0.000083%); highest among the groups gnomAD compares: Non-Finnish European, 0.00011%; no homozygotes.

Submission:

GeneDx
Classification: Uncertain significance. Last evaluated: 2019-11-19. Review status: criteria provided, single submitter. Criteria: GeneDx Variant Classification Process June 2021. Collection method: clinical testing. Allele origin: germline. Affected: yes.
Comment: Not observed in large population cohorts (Lek et al., 2016); Has not been previously published as pathogenic or benign to our knowledge; In-silico analysis, which includes splice predictors and evolutionary conservation, is inconclusive as to whether the variant alters gene splicing. In the absence of RNA/functional studies, the actual effect of this sequence change is unknown.